The following is an entry in ClinVar:

NM_016628.5(WAC):c.791del (p.Pro264fs)

Gene: WAC (WW domain containing adaptor with coiled-coil; plus strand). Cytogenetic location: 10p12.1.
Variant type: Deletion.
Coding change: c.791del on transcript NM_016628.5 (MANE Select); coding-DNA position 791, one base deleted (C; older notation c.791delC).
Protein change: p.Pro264fs; shifts the reading frame from proline 264.
Molecular consequence: frameshift variant. On other transcripts: intron variant (1).
Genome position (GRCh38, 1-based): chr10:28,595,913, C deleted; the last of 2 consecutive C bases (chr10:28,595,912-28,595,913); deleting either gives the same sequence. VCF-style (leftmost placement, unchanged base first): chr10-28595911-TC-T. GRCh37 (hg19) VCF-style: chr10-28884840-TC-T.
Other names: c.656del, p.Pro219fs (NM_100264.3); c.610+5081del (NM_100486.4); short protein forms P219fs, P264fs.
Identifiers: ClinVar variation 4279009 (VCV004279009.1).

ClinVar aggregate classification (germline): Pathogenic (1 of 4 stars; one submission).

Conditions:
DeSanto-Shinawi syndrome due to WAC point mutation (DESSH). Also called: Facial dysmorphism-developmental delay-behavioral abnormalities syndrome due to WAC point mutation; DEVELOPMENTAL DELAY, BEHAVIORAL ABNORMALITIES, FACIAL DYSMORPHISM, AND OCULAR ABNORMALITIES; WAC-Related Intellectual Disability. Identifiers: Orphanet 284169, Orphanet 466950, MedGen C5681129, MONDO:0014741, OMIM 616708.

Submission:

Institute of Human Genetics, University of Leipzig Medical Center
Classification: Pathogenic for DeSanto-Shinawi syndrome due to WAC point mutation. Last evaluated: 2025-08-06. Review status: criteria provided, single submitter. Criteria: ACMG Guidelines, 2015. Collection method: clinical testing. Allele origin: unknown. Inheritance: Autosomal dominant inheritance. Affected: yes.
Comment: Criteria applied: PVS1,PM2